The following is an entry in ClinVar:

NM_000135.4(FANCA):c.3240-3C>G

Gene: FANCA (FA complementation group A; minus strand). Cytogenetic location: 16q24.3.
Variant type: single nucleotide variant.
Coding change: c.3240-3C>G on transcript NM_000135.4 (MANE Select); 3 bases into the intron before coding-DNA position 3240, C replaced by G.
Molecular consequence: intron variant.
Genome position (GRCh38, 1-based): chr16:89,748,770, G>C on the plus strand (C>G on the coding strand, the complement: FANCA is on the minus strand). VCF-style: chr16-89748770-G-C. GRCh37 (hg19) VCF-style: chr16-89815178-G-C.
Other names: c.3240-3C>G (NM_001286167.3).
Identifiers: ClinVar variation 4817531 (VCV004817531.1).

ClinVar aggregate classification (germline): Likely pathogenic (1 of 4 stars; one submission).

Conditions:
Fanconi anemia (FA). Also called: Fanconi's anemia. Identifiers: Orphanet 84, MedGen C0015625, MeSH D005199, MONDO:0019391.

Submission:

Natera, Inc.
Classification: Likely pathogenic for Fanconi anemia. Last evaluated: 2025-09-27. Review status: criteria provided, single submitter. Criteria: Natera Variant Classification Schema (03/2026). Collection method: clinical testing. Allele origin: germline.
Comment: The c.3240-3C>G variant in FANCA is an intronic variant located outside the canonical splice sites. This variant is rare in the general population with a frequency below the threshold expected for the associated phenotype(s). This variant has been observed in one or more individuals affected with the associated recessive disease, as either homozygous or compound heterozygous with a second variant (PMID: 30031030). Functional studies show that this variant may disrupt protein function (PMID: 30031030). Computational prediction algorithms indicate this variant is likely to affect gene or protein function. Given the available evidence, this variant is classified as Likely Pathogenic.

Literature cited by the submitters: PubMed 30031030.